The following is an entry in ClinVar:

ClinVar aggregate classification (germline): Uncertain significance (1 of 4 stars; one submission).

Conditions:
Hereditary cancer-predisposing syndrome. Also called: Tumor predisposition; Hereditary neoplastic syndrome; Hereditary Cancer Syndrome; Neoplastic Syndromes, Hereditary. Identifiers: Orphanet 140162, MedGen C0027672, MeSH D009386, MONDO:0015356.

Allele frequency attached by ClinVar (database versions not stated): ExAC 0.00002; gnomAD exomes 0.00002; gnomAD 0.00003.
gnomAD v4.1: 17 of 1,613,766 alleles (0.0011%); no homozygotes.

Submission:

Ambry Genetics
Classification: Uncertain significance for Hereditary cancer-predisposing syndrome. Last evaluated: 2024-02-27. Review status: criteria provided, single submitter. Criteria: Ambry Variant Classification Scheme 2023. Collection method: clinical testing. Allele origin: germline.
Comment: The p.S1344G variant (also known as c.4030A>G), located in coding exon 27 of the ALK gene, results from an A to G substitution at nucleotide position 4030. The serine at codon 1344 is replaced by glycine, an amino acid with similar properties. This amino acid position is not well conserved in available vertebrate species. In addition, this alteration is predicted to be tolerated by in silico analysis. Based on the available evidence, the clinical significance of this alteration remains unclear.

NM_004304.5(ALK):c.4030A>G (p.Ser1344Gly)

Gene: ALK (ALK receptor tyrosine kinase; minus strand). Cytogenetic location: 2p23.2.
Variant type: single nucleotide variant.
Coding change: c.4030A>G on transcript NM_004304.5 (MANE Select); coding-DNA position 4030, A replaced by G.
Protein change: p.Ser1344Gly; replaces serine 1344 with glycine.
Molecular consequence: missense variant.
Genome position (GRCh38, 1-based): chr2:29,197,585, T>C on the plus strand (A>G on the coding strand, the complement: ALK is on the minus strand). VCF-style: chr2-29197585-T-C. GRCh37 (hg19) VCF-style: chr2-29420451-T-C.
Other names: c.826A>G, p.Ser276Gly (NM_001353765.2); short protein forms S1344G, S276G.
Identifiers: ClinVar variation 3223884 (VCV003223884.1), dbSNP rs764053092, ClinGen allele CA1593701.